The following is an entry in ClinVar:

ClinVar aggregate classification (germline): Likely pathogenic (1 of 4 stars; one submission).

Conditions:
Silver-russell syndrome 4. Identifiers: MedGen C5394450, MONDO:0030118, OMIM 618907.

Submission:

Human Genetics Bochum, Ruhr University Bochum
Classification: Likely pathogenic for Silver-russell syndrome 4. Last evaluated: 2026-03-09. Review status: criteria provided, single submitter. Criteria: ACMG Guidelines, 2015. Collection method: clinical testing. Allele origin: germline. Affected: yes.
Comment: ACMG criteria used to clasify this variant: PVS1_STR, PM1_SUP, PM2_SUP

NM_002655.3(PLAG1):c.1109C>G (p.Ser370Ter)

Gene: PLAG1 (PLAG1 zinc finger; minus strand). Cytogenetic location: 8q12.1.
Variant type: single nucleotide variant.
Coding change: c.1109C>G on transcript NM_002655.3 (MANE Select); coding-DNA position 1109, C replaced by G.
Protein change: p.Ser370Ter; replaces serine 370 with a stop codon.
Molecular consequence: nonsense.
Genome position (GRCh38, 1-based): chr8:56,166,637, G>C on the plus strand (C>G on the coding strand, the complement: PLAG1 is on the minus strand). VCF-style: chr8-56166637-G-C. GRCh37 (hg19) VCF-style: chr8-57079196-G-C.
Other names: c.1109C>G, p.Ser370Ter (NM_001114634.2); c.863C>G, p.Ser288Ter (NM_001114635.2); short protein forms S288*, S370*.
Identifiers: ClinVar variation 4876762 (VCV004876762.1).